The following is an entry in ClinVar:

NM_024529.5(CDC73):c.371-5TA[3]

Gene: CDC73 (cell division cycle 73; plus strand). Cytogenetic location: 1q31.2.
Variant type: Microsatellite.
Coding change: c.371-5TA[3] on transcript NM_024529.5 (MANE Select); three copies in a row of the 2-base unit TA starting at c.371-5; the reference has two copies in a row; one copy, 2 bases duplicated.
Molecular consequence: splice acceptor variant.
Genome position (GRCh38, 1-based): chr1:193,135,534-193,135,535, TA duplicated; duplicating any 2 consecutive bases within chr1:193,135,532-193,135,535 gives the same sequence; the position shown is the placement nearest the transcript's 3' end. VCF-style (leftmost placement, unchanged base first): chr1-193135531-T-TTA. GRCh37 (hg19) VCF-style: chr1-193104661-T-TTA.
Other names: c.371-3_371-2dupTA (NM_024529.4).
Identifiers: ClinVar variation 531642 (VCV000531642.7), dbSNP rs1553278836, ClinGen allele CA658795572.
Genomic context (GRCh38, chr1:193,135,531, plus strand): 5'-TTTATATTGAACTTTCAGAAGCCCATTCCAAAACTACACATTTATTTACTTCTCTTTCTT[T>TTA]TATAGTCAAACGAGCTGCAGATGAAGTTTTAGCAGAAGCAAAGAAACCACGAATTGAGGT-3'

ClinVar aggregate classification (germline): Uncertain significance (1 of 4 stars; one submission).

Conditions:
Parathyroid carcinoma (PRTC). Also called: CDC73-Related Parathyroid Carcinoma; Parathyroid gland carcinoma. Identifiers: Orphanet 143, MedGen C0687150, MONDO:0012004, OMIM 608266, HP:0006780.

Submission:

Labcorp Genetics (formerly Invitae), Labcorp
Classification: Uncertain significance for Parathyroid carcinoma. Last evaluated: 2017-10-04. Review status: criteria provided, single submitter. Criteria: Invitae Variant Classification Sherloc (09022015). Collection method: clinical testing. Allele origin: germline.
Comment: This sequence change falls in intron 4 of the CDC73 gene. It does not directly change the encoded amino acid sequence of the CDC73 protein. This variant is not present in population databases (ExAC no frequency). This variant has not been reported in the literature in individuals with CDC73-related disease. Algorithms developed to predict the effect of sequence changes on RNA splicing suggest that this variant may disrupt the consensus splice site, but this prediction has not been confirmed by published transcriptional studies. In summary, the available evidence is currently insufficient to determine the role of this variant in disease. Therefore, it has been classified as a Variant of Uncertain Significance.